The following is an entry in ClinVar:

ClinVar aggregate classification (germline): Pathogenic (1 of 4 stars; one submission).

Conditions:
Fanconi anemia (FA). Also called: Fanconi's anemia. Identifiers: Orphanet 84, MedGen C0015625, MeSH D005199, MONDO:0019391.

Submission:

Labcorp Genetics (formerly Invitae), Labcorp
Classification: Pathogenic for Fanconi anemia. Last evaluated: 2023-12-25. Review status: criteria provided, single submitter. Criteria: Invitae Variant Classification Sherloc (09022015). Collection method: clinical testing. Allele origin: germline.
Comment: This sequence change creates a premature translational stop signal (p.Glu945Argfs*26) in the FANCI gene. It is expected to result in an absent or disrupted protein product. Loss-of-function variants in FANCI are known to be pathogenic (PMID: 17452773, 17460694). This variant is not present in population databases (gnomAD no frequency). This variant has not been reported in the literature in individuals affected with FANCI-related conditions. For these reasons, this variant has been classified as Pathogenic.

Literature cited by the submitters: PubMed 17452773; PubMed 17460694.

NM_001113378.2(FANCI):c.2833_2834del (p.Glu945fs)

Gene: FANCI (FA complementation group I; plus strand). Cytogenetic location: 15q26.1.
Variant type: Microsatellite.
Coding change: c.2833_2834del on transcript NM_001113378.2 (MANE Select); coding-DNA positions 2833 to 2834, 2 bases deleted (GA; older notation c.2833_2834delGA).
Protein change: p.Glu945fs; shifts the reading frame from glutamic acid 945.
Molecular consequence: frameshift variant.
Genome position (GRCh38, 1-based): chr15:89,300,329-89,300,330, GA deleted; deleting any 2 consecutive bases within chr15:89,300,322-89,300,330 gives the same sequence; the c. name uses the placement nearest the transcript's 3' end. VCF-style (leftmost placement, unchanged base first): chr15-89300321-AAG-A. GRCh37 (hg19) VCF-style: chr15-89843552-AAG-A.
Other names: c.2554_2555del, p.Glu852fs (NM_001376910.1); c.2833_2834del, p.Glu945fs (NM_001376911.1); c.2653_2654del, p.Glu885fs (NM_018193.3); short protein forms E885fs, E945fs, E852fs.
Identifiers: ClinVar variation 2914065 (VCV002914065.3), dbSNP rs1479409508, ClinGen allele CA2194540960.